The following is an entry in ClinVar:

NM_001370259.2(MEN1):c.1111G>A (p.Val371Ile)

Gene: MEN1 (menin 1; minus strand). Cytogenetic location: 11q13.1.
Variant type: single nucleotide variant.
Coding change: c.1111G>A on transcript NM_001370259.2 (MANE Select); coding-DNA position 1111, G replaced by A.
Protein change: p.Val371Ile; replaces valine 371 with isoleucine.
Molecular consequence: missense variant.
Genome position (GRCh38, 1-based): chr11:64,805,709, C>T on the plus strand (G>A on the coding strand, the complement: MEN1 is on the minus strand). VCF-style: chr11-64805709-C-T. GRCh37 (hg19) VCF-style: chr11-64573181-C-T.
Other names: c.1111G>A (NM_130799.2); c.1126G>A, p.Val376Ile (NM_000244.4, NM_130800.3, NM_130801.3 and 3 more transcripts); c.1237G>A, p.Val413Ile (NM_001370251.2); c.1111G>A, p.Val371Ile (NM_001370260.2, NM_001370261.2, NM_130799.3); c.1006G>A, p.Val336Ile (NM_001370262.2, NM_001370263.2); short protein forms V336I, V371I, V376I, V413I.
Identifiers: ClinVar variation 1017802 (VCV001017802.11), dbSNP rs1941669758, ClinGen allele CA381182538.
Genomic context (GRCh38, chr11:64,805,709, plus strand): 5'-CCGGCCGCTCCTCGCCCGCCTCCAGCAAGCTGGCTGCCTCCTTCAGCAGGTTGGGGATGA[C>T]ATCATTGGCTACTTCAAAGAACTCCTTGTAGATCTCCTCGTCTTCCCGGCAGTAGTTGTA-3'
Protein context (NP_001357188.2, residues 361-381): YKEFFEVAND[Val371Ile]IPNLLKEAAS

ClinVar aggregate classification (germline): Uncertain significance. Review status: criteria provided, multiple submitters, no conflicts (2 of 4 stars). 3 submissions from 3 submitters: Uncertain significance (3). Last evaluated 2025-11-10.

Conditions:
Multiple endocrine neoplasia, type 1 (MEN1). Also called: MEN I; WERMER SYNDROME; Endocrine adenomatosis multiple; MEN 1; MEA I. Identifiers: Orphanet 652, MedGen C0025267, MeSH D018761, MONDO:0007540, OMIM 131100.
Hereditary cancer-predisposing syndrome. Also called: Tumor predisposition; Hereditary Cancer Syndrome; Neoplastic Syndromes, Hereditary; Hereditary neoplastic syndrome. Identifiers: Orphanet 140162, MedGen C0027672, MeSH D009386, MONDO:0015356.

Allele frequency attached by ClinVar (database versions not stated): gnomAD exomes below 0.00001; TOPMed below 0.00001.
gnomAD v4.1: 3 of 1,614,208 alleles (0.00019%); highest among the groups gnomAD compares: Non-Finnish European, 0.00025%; no homozygotes.

Submissions (3):

Labcorp Genetics (formerly Invitae), Labcorp
Classification: Uncertain significance for Multiple endocrine neoplasia, type 1. Last evaluated: 2025-11-10. Review status: criteria provided, single submitter. Criteria: Invitae Variant Classification Sherloc (09022015). Collection method: clinical testing. Allele origin: germline.
Comment: This sequence change replaces valine, which is neutral and non-polar, with isoleucine, which is neutral and non-polar, at codon 371 of the MEN1 protein (p.Val371Ile). This variant is not present in population databases (gnomAD no frequency). This variant has not been reported in the literature in individuals affected with MEN1-related conditions. ClinVar contains an entry for this variant (Variation ID: 1017802). Invitae Evidence Modeling of protein sequence and biophysical properties (such as structural, functional, and spatial information, amino acid conservation, physicochemical variation, residue mobility, and thermodynamic stability) indicates that this missense variant is not expected to disrupt MEN1 protein function with a negative predictive value of 80%. In summary, the available evidence is currently insufficient to determine the role of this variant in disease. Therefore, it has been classified as a Variant of Uncertain Significance.

All of Us Research Program, National Institutes of Health
Classification: Uncertain significance for Multiple endocrine neoplasia, type 1. Last evaluated: 2023-06-26. Review status: criteria provided, single submitter. Criteria: ACMG Guidelines, 2015. Collection method: clinical testing. Allele origin: germline. Inheritance: Autosomal dominant inheritance. Observed: 1 variant allele, 1 heterozygote.
Comment: This missense variant replaces valine with isoleucine at codon 371 of the MEN1 protein. Computational prediction is inconclusive regarding the impact of this variant on protein structure and function (internally defined REVEL score threshold 0.5 < inconclusive < 0.7, PMID: 27666373). To our knowledge, functional studies have not been reported for this variant. This variant has not been reported in individuals affected with MEN1-related disorders in the literature. This variant has not been identified in the general population by the Genome Aggregation Database (gnomAD). The available evidence is insufficient to determine the role of this variant in disease conclusively. Therefore, this variant is classified as a Variant of Uncertain Significance.

This study involves interpretation of variants in research participants for the purpose of population health screening. Participant phenotype was not available at the time of variant classification. Additional details can be found in publication PMID: 35346344, PMCID: PMC8962531

Ambry Genetics
Classification: Uncertain significance for Hereditary cancer-predisposing syndrome. Last evaluated: 2023-01-06. Review status: criteria provided, single submitter. Criteria: Ambry Variant Classification Scheme 2023. Collection method: clinical testing. Allele origin: germline.
Comment: The p.V371I variant (also known as c.1111G>A), located in coding exon 7 of the MEN1 gene, results from a G to A substitution at nucleotide position 1111. The valine at codon 371 is replaced by isoleucine, an amino acid with highly similar properties. This amino acid position is conserved. In addition, the in silico prediction for this alteration is inconclusive. Since supporting evidence is limited at this time, the clinical significance of this alteration remains unclear.